The following is an entry in ClinVar:

NM_006767.4(LZTR1):c.482del (p.Gln161fs)

Gene: LZTR1 (leucine zipper like post translational regulator 1; plus strand). Cytogenetic location: 22q11.21.
Variant type: Deletion.
Coding change: c.482del on transcript NM_006767.4 (MANE Select); coding-DNA position 482, one base deleted (A; older notation c.482delA).
Protein change: p.Gln161fs; shifts the reading frame from glutamine 161.
Molecular consequence: frameshift variant.
Genome position (GRCh38, 1-based): chr22:20,988,091, A deleted. VCF-style (leftmost placement, unchanged base first): chr22-20988090-CA-C. GRCh37 (hg19) VCF-style: chr22-21342379-CA-C.
Other names: c.482delA (NM_006767.4, NM_006767.3); short protein forms Q161fs.
Identifiers: ClinVar variation 955623 (VCV000955623.18), dbSNP rs1924462309, ClinGen allele CA1024227459.

ClinVar aggregate classification (germline): Pathogenic/Likely pathogenic. Review status: criteria provided, multiple submitters, no conflicts (2 of 4 stars). 5 submissions from 5 submitters: Pathogenic (4); Likely pathogenic (1). Last evaluated 2025-12-30.

Conditions:
LZTR1-related schwannomatosis. Also called: Schwannomatosis 2; Schwannomatosis-2, susceptibility to. Identifiers: Orphanet 93921, MedGen C3810283, MONDO:0014299, OMIM 615670.
Hereditary cancer-predisposing syndrome. Also called: Neoplastic Syndromes, Hereditary; Tumor predisposition; Hereditary neoplastic syndrome; Hereditary Cancer Syndrome. Identifiers: Orphanet 140162, MedGen C0027672, MeSH D009386, MONDO:0015356.
Cardiovascular phenotype. Identifiers: MedGen CN230736.
Schwannomatosis. Identifiers: Orphanet 93921, MedGen C1335929, MeSH C536641, MONDO:0008075.

Allele frequency attached by ClinVar (database versions not stated): gnomAD exomes below 0.00001; gnomAD 0.00001.

Submissions (5):

Labcorp Genetics (formerly Invitae), Labcorp
Classification: Pathogenic. Last evaluated: 2025-12-30. Review status: criteria provided, single submitter. Criteria: Invitae Variant Classification Sherloc (09022015). Collection method: clinical testing. Allele origin: germline.
Comment: This sequence change creates a premature translational stop signal (p.Gln161Argfs*39) in the LZTR1 gene. It is expected to result in an absent or disrupted protein product. Loss-of-function variants in LZTR1 are known to be pathogenic (PMID: 24362817, 25335493, 25480913, 25795793, 29469822, 30368668, 30442762, 30442766, 30481304, 30859559). This variant is not present in population databases (gnomAD no frequency). This variant has not been reported in the literature in individuals affected with LZTR1-related conditions. ClinVar contains an entry for this variant (Variation ID: 955623). For these reasons, this variant has been classified as Pathogenic.

Ambry Genetics
Classification: Pathogenic for Cardiovascular phenotype; Hereditary cancer-predisposing syndrome. Last evaluated: 2025-12-09. Review status: criteria provided, single submitter. Criteria: Ambry Variant Classification Scheme 2023. Collection method: clinical testing. Allele origin: germline.
Comment: The c.482delA variant, located in coding exon 5 of the LZTR1 gene, results from a deletion of one nucleotide at nucleotide position 482, causing a translational frameshift with a predicted alternate stop codon (p.Q161Rfs*39). This alteration is expected to result in loss of function by premature protein truncation or nonsense-mediated mRNA decay. Loss-of-function variants in LZTR1 are related to an increased risk for schwannomas and autosomal recessive Noonan syndrome; however, such associations with autosomal dominant Noonan syndrome have not been observed (Piotrowski A et al. Nat Genet. 2014 Feb;46:182-7; Yamamoto GL et al. J Med Genet. 2015 Jun;52:413-21; Johnston JJ et al. Genet Med. 2018 10;20:1175-1185). Based on the supporting evidence, this variant is pathogenic for an increased risk of LZTR1-related schwannomatosis (SWN) and would be expected to cause autosomal recessive Noonan syndrome when present along with a second pathogenic or likely pathogenic variant on the other allele; however, the association of this alteration with autosomal dominant Noonan syndrome is unlikely.

CeGaT Center for Human Genetics Tuebingen
Classification: Pathogenic. Last evaluated: 2025-07-01. Review status: criteria provided, single submitter. Criteria: CeGaT Center For Human Genetics Tuebingen Variant Classification Criteria Version 2. Collection method: clinical testing. Allele origin: germline. Affected: yes. Observed: 1 variant allele.
Comment: LZTR1: PVS1, PM2

Women's Health and Genetics/Laboratory Corporation of America, LabCorp
Classification: Pathogenic for Schwannomatosis. Last evaluated: 2024-07-18. Review status: criteria provided, single submitter. Criteria: LabCorp Variant Classification Summary - May 2015. Collection method: clinical testing. Allele origin: germline.
Comment: Variant summary: LZTR1 c.482delA (p.Gln161ArgfsX39) results in a premature termination codon, predicted to cause a truncation of the encoded protein or absence of the protein due to nonsense mediated decay, which are commonly known mechanisms for disease. The variant was absent in 251218 control chromosomes. To our knowledge, no occurrence of c.482delA in individuals affected with LZTR1-related conditions and no experimental evidence demonstrating its impact on protein function have been reported. ClinVar contains an entry for this variant (Variation ID: 955623). Germline loss of function mutations in LZTR1 have been reported to predispose to an inherited disorder of multiple schwannomas (Piotrowski_2014) and recessive Noonan syndrome (Johnston_2018). Based on the evidence outlined above, the variant was classified as pathogenic for the risk of multiple schwannomas and recessive Noonan syndrome.

Baylor Genetics
Classification: Likely pathogenic for LZTR1-related schwannomatosis. Last evaluated: 2024-01-31. Review status: criteria provided, single submitter. Criteria: ACMG Guidelines, 2015. Collection method: clinical testing. Allele origin: unknown.

Literature cited by the submitters: PubMed 24362817 (cited by Labcorp Genetics (formerly Invitae), Labcorp); PubMed 25335493 (cited by Labcorp Genetics (formerly Invitae), Labcorp); PubMed 25480913 (cited by Labcorp Genetics (formerly Invitae), Labcorp); PubMed 25795793 (cited by Labcorp Genetics (formerly Invitae), Labcorp); PubMed 29469822 (cited by Labcorp Genetics (formerly Invitae), Labcorp); PubMed 30368668 (cited by Labcorp Genetics (formerly Invitae), Labcorp); PubMed 30442762 (cited by Labcorp Genetics (formerly Invitae), Labcorp); PubMed 30442766 (cited by Labcorp Genetics (formerly Invitae), Labcorp); PubMed 30481304 (cited by Labcorp Genetics (formerly Invitae), Labcorp); PubMed 30859559 (cited by Labcorp Genetics (formerly Invitae), Labcorp).